The following is an entry in ClinVar:

ClinVar aggregate classification (germline): Uncertain significance (1 of 4 stars; one submission).

Submission:

CeGaT Center for Human Genetics Tuebingen
Classification: Uncertain significance. Last evaluated: 2024-10-01. Review status: criteria provided, single submitter. Criteria: CeGaT Center For Human Genetics Tuebingen Variant Classification Criteria Version 2. Collection method: clinical testing. Allele origin: germline. Affected: yes. Observed: 1 variant allele.
Comment: NKX2-1: PM2

NM_001079668.3(NKX2-1):c.1042G>A (p.Gly348Ser)

Genes: NKX2-1 (NK2 homeobox 1; minus strand), SFTA3 (surfactant associated 3; minus strand). Cytogenetic location: 14q13.3.
Variant type: single nucleotide variant.
Coding change: c.1042G>A on transcript NM_001079668.3 (MANE Select); coding-DNA position 1042, G replaced by A.
Protein change: p.Gly348Ser; replaces glycine 348 with serine.
Molecular consequence: missense variant.
Genome position (GRCh38, 1-based): chr14:36,517,442, C>T on the plus strand (G>A on the coding strand, the complement: NKX2-1 is on the minus strand). VCF-style: chr14-36517442-C-T. GRCh37 (hg19) VCF-style: chr14-36986647-C-T.
Other names: c.952G>A, p.Gly318Ser (NM_003317.4); short protein forms G318S, G348S.
Identifiers: ClinVar variation 3389928 (VCV003389928.14).